The following is an entry in ClinVar:

ClinVar aggregate classification (germline): Likely benign (1 of 4 stars; one submission).

gnomAD v4.1: 29 of 1,606,692 alleles (0.0018%); highest among the groups gnomAD compares: Admixed American, 0.02%; no homozygotes.

Submission:

CeGaT Center for Human Genetics Tuebingen
Classification: Likely benign. Last evaluated: 2026-06-01. Review status: criteria provided, single submitter. Criteria: CeGaT Center For Human Genetics Tuebingen Variant Classification Criteria Version 2. Collection method: clinical testing. Allele origin: germline. Affected: yes. Observed: 1 variant allele.
Comment: CDC42BPB: BP4, BP7

NM_006035.4(CDC42BPB):c.3162C>T (p.Tyr1054=)

Gene: CDC42BPB (CDC42 binding protein kinase beta; minus strand). Cytogenetic location: 14q32.32.
Variant type: single nucleotide variant.
Coding change: c.3162C>T on transcript NM_006035.4 (MANE Select); coding-DNA position 3162, C replaced by T.
Protein change: p.Tyr1054=; no amino-acid change (tyrosine 1054 retained).
Molecular consequence: synonymous variant.
Genome position (GRCh38, 1-based): chr14:102,952,508, G>A on the plus strand (C>T on the coding strand, the complement: CDC42BPB is on the minus strand). VCF-style: chr14-102952508-G-A. GRCh37 (hg19) VCF-style: chr14-103418845-G-A.
Other names: c.3084C>T, p.Tyr1028= (NM_001411054.1).
Identifiers: ClinVar variation 4873394 (VCV004873394.2).